The following is an entry in ClinVar:

ClinVar aggregate classification (germline): Likely benign. Review status: criteria provided, multiple submitters, no conflicts (2 of 4 stars). 4 submissions from 4 submitters: Likely benign (4). Last evaluated 2026-05-01.

Conditions:
Holoprosencephaly 9 (HPE9). Also called: HOLOPROSENCEPHALY WITH MICROPHTHALMIA AND FIRST BRANCHIAL ARCH ANOMALIES; PITUITARY ANOMALIES WITH HOLOPROSENCEPHALY-LIKE FEATURES. Identifiers: Orphanet 2162, MedGen C1835819, MONDO:0012563, OMIM 610829.
Postaxial polydactyly-anterior pituitary anomalies-facial dysmorphism syndrome. Also called: Culler-Jones syndrome. Identifiers: Orphanet 420584, MedGen C4014479, MONDO:0014369, OMIM 615849.

Allele frequency attached by ClinVar (database versions not stated): gnomAD 0.00004 and 0.00007; gnomAD exomes 0.00009 and 0.00010; ExAC 0.00012; 1000 Genomes Project 30x 0.00031; 1000 Genomes Project 0.00040.
gnomAD v4.1: 141 of 1,610,698 alleles (0.0088%); highest among the groups gnomAD compares: South Asian, 0.043%; no homozygotes.

Submissions (4):

CeGaT Center for Human Genetics Tuebingen
Classification: Likely benign. Last evaluated: 2026-05-01. Review status: criteria provided, single submitter. Criteria: CeGaT Center For Human Genetics Tuebingen Variant Classification Criteria Version 2. Collection method: clinical testing. Allele origin: germline. Affected: yes. Observed: 1 variant allele.
Comment: GLI2: BP4, BP7

Labcorp Genetics (formerly Invitae), Labcorp
Classification: Likely benign for Postaxial polydactyly-anterior pituitary anomalies-facial dysmorphism syndrome; Holoprosencephaly 9. Last evaluated: 2025-02-10. Review status: criteria provided, single submitter. Criteria: Invitae Variant Classification Sherloc (09022015). Collection method: clinical testing. Allele origin: germline.

Women's Health and Genetics/Laboratory Corporation of America, LabCorp
Classification: Likely benign. Last evaluated: 2024-09-05. Review status: criteria provided, single submitter. Criteria: LabCorp Variant Classification Summary - May 2015. Collection method: clinical testing. Allele origin: germline.

Blueprint Genetics
Classification: Likely benign. Last evaluated: 2024-07-15. Review status: criteria provided, single submitter. Criteria: ACMG Guidelines, 2015. Collection method: clinical testing. Allele origin: germline.

NM_001374353.1(GLI2):c.495C>T (p.Gly165=)

Gene: GLI2 (GLI family zinc finger 2; plus strand). Cytogenetic location: 2q14.2.
Variant type: single nucleotide variant.
Coding change: c.495C>T on transcript NM_001374353.1 (MANE Select); coding-DNA position 495, C replaced by T.
Protein change: p.Gly165=; no amino-acid change (glycine 165 retained).
Molecular consequence: synonymous variant.
Genome position (GRCh38, 1-based): chr2:120,955,282, C>T. VCF-style: chr2-120955282-C-T. GRCh37 (hg19) VCF-style: chr2-121712858-C-T.
Other names: c.495C>T, p.Gly165= (NM_001371271.1, NM_005270.5); c.120C>T, p.Gly40= (NM_001374354.1).
Identifiers: ClinVar variation 1610186 (VCV001610186.12), dbSNP rs193062450, ClinGen allele CA1851555.